The following is an entry in ClinVar:

NM_004629.2(FANCG):c.833C>T (p.Ala278Val)

Gene: FANCG (FA complementation group G; minus strand). Cytogenetic location: 9p13.3.
Variant type: single nucleotide variant.
Coding change: c.833C>T on transcript NM_004629.2 (MANE Select); coding-DNA position 833, C replaced by T.
Protein change: p.Ala278Val; replaces alanine 278 with valine.
Molecular consequence: missense variant.
Genome position (GRCh38, 1-based): chr9:35,076,815, G>A on the plus strand (C>T on the coding strand, the complement: FANCG is on the minus strand). VCF-style: chr9-35076815-G-A. GRCh37 (hg19) VCF-style: chr9-35076812-G-A.
Other names: short protein forms A278V.
Identifiers: ClinVar variation 847372 (VCV000847372.8), dbSNP rs771395169, ClinGen allele CA5039930.

ClinVar aggregate classification (germline): Uncertain significance. Review status: criteria provided, multiple submitters, no conflicts (2 of 4 stars). 4 submissions from 4 submitters: Uncertain significance (3). 1 of the submissions does not count toward it. Last evaluated 2025-05-19.

Conditions:
Inborn genetic diseases. Identifiers: MedGen C0950123, MeSH D030342.
Fanconi anemia complementation group G. Also called: Fanconi anemia group G; FANCG-Related Fanconi Anemia. Identifiers: Orphanet 84, MedGen C3469527, MONDO:0013565, OMIM 614082.
Fanconi anemia (FA). Also called: Fanconi's anemia. Identifiers: Orphanet 84, MedGen C0015625, MeSH D005199, MONDO:0019391.

Allele frequency attached by ClinVar (database versions not stated): gnomAD exomes 0.00001; ExAC 0.00002; TOPMed 0.00002.
gnomAD v4.1: 12 of 1,614,138 alleles (0.00074%); highest among the groups gnomAD compares: Middle Eastern, 0.033%; no homozygotes.

Submissions (4):

Ambry Genetics
Classification: Uncertain significance for Inborn genetic diseases. Last evaluated: 2025-05-19. Review status: criteria provided, single submitter. Criteria: Ambry Variant Classification Scheme 2023. Collection method: clinical testing. Allele origin: germline.

Labcorp Genetics (formerly Invitae), Labcorp
Classification: Uncertain significance for Fanconi anemia. Last evaluated: 2022-08-23. Review status: criteria provided, single submitter. Criteria: Invitae Variant Classification Sherloc (09022015). Collection method: clinical testing. Allele origin: germline.
Comment: This sequence change replaces alanine, which is neutral and non-polar, with valine, which is neutral and non-polar, at codon 278 of the FANCG protein (p.Ala278Val). This variant is present in population databases (rs771395169, gnomAD 0.0009%). This variant has not been reported in the literature in individuals affected with FANCG-related conditions. ClinVar contains an entry for this variant (Variation ID: 847372). Algorithms developed to predict the effect of missense changes on protein structure and function output the following: SIFT: "Tolerated"; PolyPhen-2: "Benign"; Align-GVGD: "Class C0". The valine amino acid residue is found in multiple mammalian species, which suggests that this missense change does not adversely affect protein function. In summary, the available evidence is currently insufficient to determine the role of this variant in disease. Therefore, it has been classified as a Variant of Uncertain Significance.

Fulgent Genetics
Classification: Uncertain significance for Fanconi anemia complementation group G. Last evaluated: 2022-03-30. Review status: criteria provided, single submitter. Criteria: ACMG Guidelines, 2015. Collection method: clinical testing. Allele origin: unknown.

Natera, Inc.
Classification: Uncertain significance for Fanconi anemia group G. Last evaluated: 2020-09-16. Review status: no assertion criteria provided. Collection method: clinical testing. Allele origin: germline. Not counted in ClinVar's aggregate classification.